The following is an entry in ClinVar:

ClinVar aggregate classification (germline): Conflicting classifications of pathogenicity. Review status: criteria provided, conflicting classifications (1 of 4 stars). 5 submissions from 5 submitters: Uncertain significance (1); Benign (2); Likely benign (2). Last evaluated 2025-09-10.

Conditions:
Inborn genetic diseases. Identifiers: MedGen C0950123, MeSH D030342.
Developmental and epileptic encephalopathy, 5 (DEE5). Identifiers: Orphanet 3451, MedGen C3150731, MONDO:0013277, OMIM 613477.
Early-infantile DEE. Also called: Ohtahara syndrome; Early infantile epileptic encephalopathy with suppression bursts; Early infantile epileptic encephalopathy. Identifiers: Orphanet 1934, MedGen C0393706, MONDO:0800491.

Allele frequency attached by ClinVar (database versions not stated): gnomAD exomes 0.00002; ExAC 0.00003; gnomAD 0.00006 and 0.00007; TOPMed 0.00012; ESP Exome Variant Server 0.00015; 1000 Genomes Project 0.00040; 1000 Genomes Project 30x 0.00047.
gnomAD v4.1: 36 of 1,614,018 alleles (0.0022%); highest among the groups gnomAD compares: African/African-American, 0.016%; no homozygotes.

Submissions (5):

Labcorp Genetics (formerly Invitae), Labcorp
Classification: Benign for Early-infantile DEE. Last evaluated: 2025-09-10. Review status: criteria provided, single submitter. Criteria: Invitae Variant Classification Sherloc (09022015). Collection method: clinical testing. Allele origin: germline.

Ambry Genetics
Classification: Likely benign for Inborn genetic diseases. Last evaluated: 2024-08-20. Review status: criteria provided, single submitter. Criteria: Ambry Variant Classification Scheme 2023. Collection method: clinical testing. Allele origin: germline.

Genome-Nilou Lab
Classification: Benign for Developmental and epileptic encephalopathy, 5. Last evaluated: 2021-07-15. Review status: criteria provided, single submitter. Criteria: ACMG Guidelines, 2015. Collection method: clinical testing. Allele origin: germline. Affected: no.

GeneDx
Classification: Likely benign. Last evaluated: 2020-10-26. Review status: criteria provided, single submitter. Criteria: GeneDx Variant Classification Process June 2021. Collection method: clinical testing. Allele origin: germline. Affected: yes.
Comment: Missense variant in a gene in which most reported pathogenic variants are truncating/loss-of-function; In silico analysis supports that this missense variant does not alter protein structure/function; Has not been previously published as pathogenic or benign to our knowledge

Revvity Omics, Revvity
Classification: Uncertain significance. Last evaluated: 2019-08-21. Review status: criteria provided, single submitter. Criteria: ACMG Guidelines, 2015. Collection method: clinical testing. Allele origin: germline.

NM_001130438.3(SPTAN1):c.5881G>A (p.Gly1961Arg)

Gene: SPTAN1 (spectrin alpha, non-erythrocytic 1; plus strand). Cytogenetic location: 9q34.11.
Variant type: single nucleotide variant.
Coding change: c.5881G>A on transcript NM_001130438.3 (MANE Select); coding-DNA position 5881, G replaced by A.
Protein change: p.Gly1961Arg; replaces glycine 1961 with arginine.
Molecular consequence: missense variant.
Genome position (GRCh38, 1-based): chr9:128,624,376, G>A. VCF-style: chr9-128624376-G-A. GRCh37 (hg19) VCF-style: chr9-131386655-G-A.
Other names: c.5806G>A, p.Gly1936Arg (NM_001195532.2); c.5881G>A, p.Gly1961Arg (NM_001363759.2); c.5821G>A, p.Gly1941Arg (NM_001363765.2); c.5866G>A, p.Gly1956Arg (NM_003127.4); short protein forms G1936R, G1956R, G1941R, G1961R.
Identifiers: ClinVar variation 640768 (VCV000640768.22), dbSNP rs142498180, ClinGen allele CA5265589.